The following is an entry in ClinVar:

NM_002454.3(MTRR):c.487A>G (p.Ile163Val)

Gene: MTRR (5-methyltetrahydrofolate-homocysteine methyltransferase reductase; plus strand). Cytogenetic location: 5p15.31.
Variant type: single nucleotide variant.
Coding change: c.487A>G on transcript NM_002454.3 (MANE Select); coding-DNA position 487, A replaced by G.
Protein change: p.Ile163Val; replaces isoleucine 163 with valine.
Molecular consequence: missense variant. On other transcripts: non-coding transcript variant (14).
Genome position (GRCh38, 1-based): chr5:7,878,029, A>G. VCF-style: chr5-7878029-A-G. GRCh37 (hg19) VCF-style: chr5-7878142-A-G.
Other names: c.487A>G, p.Ile163Val (NM_001364440.2, NM_001364441.2, NM_001364442.2 and 1 more transcripts); short protein forms I163V.
Identifiers: ClinVar variation 354351 (VCV000354351.9), dbSNP rs886060804, ClinGen allele CA10622285.

ClinVar aggregate classification (germline): Uncertain significance. Review status: criteria provided, multiple submitters, no conflicts (2 of 4 stars). 2 submissions from 2 submitters: Uncertain significance (2). Last evaluated 2022-10-24.

Conditions:
Methylcobalamin deficiency type cblE (HMAE). Also called: VITAMIN B12-RESPONSIVE HOMOCYSTINURIA, cblE TYPE; HOMOCYSTINURIA-MEGALOBLASTIC ANEMIA, cblE COMPLEMENTATION TYPE; HOMOCYSTINURIA-MEGALOBLASTIC ANEMIA, cblE TYPE. Identifiers: Orphanet 2169, Orphanet 622, MedGen C1856057, MONDO:0009354, OMIM 236270.
Disorders of Intracellular Cobalamin Metabolism. Identifiers: MedGen CN043592.

Allele frequency attached by ClinVar (database versions not stated): gnomAD exomes below 0.00001; TOPMed 0.00001; gnomAD 0.00001.
gnomAD v4.1: 6 of 1,613,646 alleles (0.00037%); highest among the groups gnomAD compares: African/African-American, 0.004%; no homozygotes.

Submissions (2):

Labcorp Genetics (formerly Invitae), Labcorp
Classification: Uncertain significance for Methylcobalamin deficiency type cblE. Last evaluated: 2022-10-24. Review status: criteria provided, single submitter. Criteria: Invitae Variant Classification Sherloc (09022015). Collection method: clinical testing. Allele origin: germline.
Comment: This sequence change replaces isoleucine, which is neutral and non-polar, with valine, which is neutral and non-polar, at codon 163 of the MTRR protein (p.Ile163Val). This variant is not present in population databases (gnomAD no frequency). This variant has not been reported in the literature in individuals affected with MTRR-related conditions. ClinVar contains an entry for this variant (Variation ID: 354351). Advanced modeling of protein sequence and biophysical properties (such as structural, functional, and spatial information, amino acid conservation, physicochemical variation, residue mobility, and thermodynamic stability) performed at Invitae indicates that this missense variant is not expected to disrupt MTRR protein function. Algorithms developed to predict the effect of sequence changes on RNA splicing suggest that this variant may create or strengthen a splice site. In summary, the available evidence is currently insufficient to determine the role of this variant in disease. Therefore, it has been classified as a Variant of Uncertain Significance.

Illumina Laboratory Services, Illumina
Classification: Uncertain significance for Disorders of Intracellular Cobalamin Metabolism. Last evaluated: 2018-01-13. Review status: criteria provided, single submitter. Criteria: ICSL Variant Classification Criteria 13 December 2019. Collection method: clinical testing. Allele origin: germline.